The following is an entry in ClinVar:

NM_016356.5(DCDC2):c.1045G>T (p.Glu349Ter)

Gene: DCDC2 (doublecortin domain containing 2; minus strand). Cytogenetic location: 6p22.3.
Variant type: single nucleotide variant.
Coding change: c.1045G>T on transcript NM_016356.5 (MANE Select); coding-DNA position 1045, G replaced by T.
Protein change: p.Glu349Ter; replaces glutamic acid 349 with a stop codon.
Molecular consequence: nonsense.
Genome position (GRCh38, 1-based): chr6:24,178,611, C>A on the plus strand (G>T on the coding strand, the complement: DCDC2 is on the minus strand). VCF-style: chr6-24178611-C-A. GRCh37 (hg19) VCF-style: chr6-24178839-C-A.
Other names: c.1045G>T, p.Glu349Ter (NM_001195610.2); short protein forms E349*.
Identifiers: ClinVar variation 3897967 (VCV003897967.1).

ClinVar aggregate classification (germline): Likely pathogenic (1 of 4 stars; one submission).

Conditions:
Isolated neonatal sclerosing cholangitis (NSC). Also called: Sclerosing cholangitis, neonatal. Identifiers: Orphanet 480556, MedGen C4479344, MONDO:0018816, OMIM 617394.

Submission:

Neuberg Centre For Genomic Medicine, NCGM
Classification: Likely pathogenic for Isolated neonatal sclerosing cholangitis. Last evaluated: 2024-02-01. Review status: criteria provided, single submitter. Criteria: ACMG Guidelines, 2015. Collection method: clinical testing. Allele origin: germline. Inheritance: Autosomal recessive inheritance.
Comment: The above variant in DCDC2 gene has not been reported previously as a pathogenic variant nor as a benign variant, to our knowledge. This variant is predicted to cause loss of normal protein function through protein truncation. Loss of function variants in DCDC2 gene have been previously reported to be disease causing for sclerosing cholangitis (Grammatikopoulos T, et al., 2016). However, variant is present in penultimate exon, and only one loss of function variant is reported downstream to this position to our knowledge. Additional funcional studies will be required to prove the pathogenicity of this variant conclusively. For these reasons, this variant has been classified as Likely Pathogenic.